The following is an entry in ClinVar:

NM_032119.4(ADGRV1):c.4159A>G (p.Ile1387Val)

Gene: ADGRV1 (adhesion G protein-coupled receptor V1; plus strand). Cytogenetic location: 5q14.3.
Variant type: single nucleotide variant.
Coding change: c.4159A>G on transcript NM_032119.4 (MANE Select); coding-DNA position 4159, A replaced by G.
Protein change: p.Ile1387Val; replaces isoleucine 1387 with valine.
Molecular consequence: missense variant. On other transcripts: non-coding transcript variant (1).
Genome position (GRCh38, 1-based): chr5:90,653,733, A>G. VCF-style: chr5-90653733-A-G. GRCh37 (hg19) VCF-style: chr5-89949550-A-G.
Other names: short protein forms I1387V.
Identifiers: ClinVar variation 2109989 (VCV002109989.1), dbSNP rs866958173, ClinGen allele CA360401640.

ClinVar aggregate classification (germline): Uncertain significance (1 of 4 stars; one submission).

Submission:

Labcorp Genetics (formerly Invitae), Labcorp
Classification: Uncertain significance. Last evaluated: 2022-06-14. Review status: criteria provided, single submitter. Criteria: Invitae Variant Classification Sherloc (09022015). Collection method: clinical testing. Allele origin: germline.
Comment: This sequence change replaces isoleucine, which is neutral and non-polar, with valine, which is neutral and non-polar, at codon 1387 of the ADGRV1 protein (p.Ile1387Val). This variant is not present in population databases (gnomAD no frequency). This variant has not been reported in the literature in individuals affected with ADGRV1-related conditions. Algorithms developed to predict the effect of missense changes on protein structure and function (SIFT, PolyPhen-2, Align-GVGD) all suggest that this variant is likely to be tolerated. In summary, the available evidence is currently insufficient to determine the role of this variant in disease. Therefore, it has been classified as a Variant of Uncertain Significance.